The following is an entry in ClinVar:

NM_181882.3(PRX):c.3094G>A (p.Asp1032Asn)

Gene: PRX (periaxin; minus strand). Cytogenetic location: 19q13.2.
Variant type: single nucleotide variant.
Coding change: c.3094G>A on transcript NM_181882.3 (MANE Select); coding-DNA position 3094, G replaced by A.
Protein change: p.Asp1032Asn; replaces aspartic acid 1032 with asparagine.
Molecular consequence: missense variant. On other transcripts: 3 prime UTR variant (1).
Genome position (GRCh38, 1-based): chr19:40,395,258, C>T on the plus strand (G>A on the coding strand, the complement: PRX is on the minus strand). VCF-style: chr19-40395258-C-T. GRCh37 (hg19) VCF-style: chr19-40901165-C-T.
Other names: c.*3299G>A (NM_020956.2); short protein forms D1032N.
Identifiers: ClinVar variation 543390 (VCV000543390.8), dbSNP rs772431799, ClinGen allele CA9443923.
Genomic context (GRCh38, chr19:40,395,258, plus strand): 5'-AGCCCCAGCCCTTGCCCTCCAACTCAGCCACCCCTGGCACTAGTTCTGCTGCCTCAGTGT[C>T]CCGGCCTCTGACCCCAAACTTGGGGAGAGCAAACCTGGGCCCCTTGAACTTGAGGTCGGC-3'
Protein context (NP_870998.2, residues 1022-1042): ALPKFGVRGR[Asp1032Asn]TEAAELVPGV

ClinVar aggregate classification (germline): Uncertain significance (1 of 4 stars; one submission).

Conditions:
Charcot-Marie-Tooth disease type 4. Also called: Charcot-Marie-Tooth, Type 4; Charcot-Marie-Tooth disease, type IV. Identifiers: Orphanet 64749, MedGen C4082197, MONDO:0018995.

Allele frequency attached by ClinVar (database versions not stated): gnomAD exomes 0.00001; ExAC 0.00001.
gnomAD v4.1: 11 of 1,613,998 alleles (0.00068%); highest among the groups gnomAD compares: South Asian, 0.0033%; no homozygotes.

Submission:

Labcorp Genetics (formerly Invitae), Labcorp
Classification: Uncertain significance for Charcot-Marie-Tooth disease type 4. Last evaluated: 2022-10-05. Review status: criteria provided, single submitter. Criteria: Invitae Variant Classification Sherloc (09022015). Collection method: clinical testing. Allele origin: germline.
Comment: In summary, the available evidence is currently insufficient to determine the role of this variant in disease. Therefore, it has been classified as a Variant of Uncertain Significance. Advanced modeling of protein sequence and biophysical properties (such as structural, functional, and spatial information, amino acid conservation, physicochemical variation, residue mobility, and thermodynamic stability) has been performed at Invitae for this missense variant, however the output from this modeling did not meet the statistical confidence thresholds required to predict the impact of this variant on PRX protein function. ClinVar contains an entry for this variant (Variation ID: 543390). This variant has not been reported in the literature in individuals affected with PRX-related conditions. This variant is present in population databases (rs772431799, gnomAD 0.003%). This sequence change replaces aspartic acid, which is acidic and polar, with asparagine, which is neutral and polar, at codon 1032 of the PRX protein (p.Asp1032Asn).